The following is an entry in ClinVar:

NM_001365536.1(SCN9A):c.1339T>A (p.Tyr447Asn)

Genes: SCN1A-AS1 (SCN1A and SCN9A antisense RNA 1; plus strand), SCN9A (sodium voltage-gated channel alpha subunit 9; minus strand). Cytogenetic location: 2q24.3.
Variant type: single nucleotide variant.
Coding change: c.1339T>A on transcript NM_001365536.1 (MANE Select); coding-DNA position 1339, T replaced by A.
Protein change: p.Tyr447Asn; replaces tyrosine 447 with asparagine.
Molecular consequence: missense variant.
Genome position (GRCh38, 1-based): chr2:166,286,599, A>T on the plus strand (T>A on the coding strand, the complement: SCN9A is on the minus strand). VCF-style: chr2-166286599-A-T. GRCh37 (hg19) VCF-style: chr2-167143109-A-T.
Other names: c.1339T>A, p.Tyr447Asn (NM_002977.4); short protein forms Y447N.
Identifiers: ClinVar variation 1770310 (VCV001770310.2), dbSNP rs769001042, ClinGen allele CA1944526.

ClinVar aggregate classification (germline): Uncertain significance (1 of 4 stars; one submission).

Conditions:
Inborn genetic diseases. Identifiers: MedGen C0950123, MeSH D030342.

Allele frequency attached by ClinVar (database versions not stated): gnomAD exomes below 0.00001; TOPMed below 0.00001; ExAC 0.00002.
gnomAD v4.1: 4 of 1,568,642 alleles (0.00025%); highest among the groups gnomAD compares: Non-Finnish European, 0.00034%; no homozygotes.

Submission:

Ambry Genetics
Classification: Uncertain significance for Inborn genetic diseases. Last evaluated: 2019-11-12. Review status: criteria provided, single submitter. Criteria: Ambry Variant Classification Scheme 2023. Collection method: clinical testing. Allele origin: germline.
Comment: The p.Y447N variant (also known as c.1339T>A), located in coding exon 10 of the SCN9A gene, results from a T to A substitution at nucleotide position 1339. The tyrosine at codon 447 is replaced by asparagine, an amino acid with dissimilar properties. This amino acid position is well conserved in available vertebrate species. In addition, the in silico prediction for this alteration is inconclusive. Since supporting evidence is limited at this time, the clinical significance of this alteration remains unclear.